The following is an entry in ClinVar:

NM_025114.4(CEP290):c.3934A>G (p.Arg1312Gly)

Gene: CEP290 (centrosomal protein 290; minus strand). Cytogenetic location: 12q21.32.
Variant type: single nucleotide variant.
Coding change: c.3934A>G on transcript NM_025114.4 (MANE Select); coding-DNA position 3934, A replaced by G.
Protein change: p.Arg1312Gly; replaces arginine 1312 with glycine.
Molecular consequence: missense variant.
Genome position (GRCh38, 1-based): chr12:88,089,127, T>C on the plus strand (A>G on the coding strand, the complement: CEP290 is on the minus strand). VCF-style: chr12-88089127-T-C. GRCh37 (hg19) VCF-style: chr12-88482904-T-C.
Other names: short protein forms R1312G.
Identifiers: ClinVar variation 3349661 (VCV003349661.2).
Genomic context (GRCh38, chr12:88,089,127, plus strand): 5'-TTAACTCTTCCAGGCCCTTTAATTTTAATTCCATCTCCAATGTTTTGTTCTCCATATTTC[T>C]ATGTTCTTGTTGAGAATTTTTCATTTCTTGCATTATCTTAAGTTTGTCATTTTGTAGTTG-3'
Protein context (NP_079390.3, residues 1302-1322): QEMKNSQQEH[Arg1312Gly]NMENKTLEME

ClinVar aggregate classification (germline): Uncertain significance. Review status: criteria provided, single submitter (1 of 4 stars). 2 submissions from 2 submitters: Uncertain significance (1). 1 of the submissions does not count toward it. Last evaluated 2024-02-28.

Conditions:
CEP290-related disorder. Also called: CEP290-related disorders; CEP290-related condition. Identifiers: MedGen CN239314.
Leber congenital amaurosis 10 (LCA10). Identifiers: Orphanet 65, MedGen C1857821, MONDO:0012723, OMIM 611755.
Joubert syndrome 5 (JBTS5). Identifiers: Orphanet 2318, MedGen C1857780, MONDO:0012432, OMIM 610188.
Bardet-Biedl syndrome 14 (BBS14). Identifiers: Orphanet 110, MedGen C2673874, MONDO:0014442, OMIM 615991.
Meckel syndrome, type 4 (MKS4). Also called: MECKEL-GRUBER SYNDROME, TYPE 4. Identifiers: Orphanet 564, MedGen C1970161, MONDO:0012626, OMIM 611134.
Senior-Loken syndrome 6 (SLSN6). Identifiers: Orphanet 3156, MedGen C1857779, MONDO:0012433, OMIM 610189.

gnomAD v4.1: 1 of 1,594,676 alleles (0.000063%); highest among the groups gnomAD compares: Non-Finnish European, 0.000085%; no homozygotes.

Submissions (2):

Fulgent Genetics
Classification: Uncertain significance for Joubert syndrome 5; Senior-Loken syndrome 6; Meckel syndrome, type 4; Leber congenital amaurosis 10; Bardet-Biedl syndrome 14. Last evaluated: 2024-02-28. Review status: criteria provided, single submitter. Criteria: ACMG Guidelines, 2015. Collection method: clinical testing. Allele origin: germline.

PreventionGenetics, part of Exact Sciences
Classification: Uncertain significance for CEP290-related condition. Last evaluated: 2024-02-16. Review status: no assertion criteria provided. Collection method: clinical testing. Allele origin: germline. Not counted in ClinVar's aggregate classification.
Comment: The CEP290 c.3934A>G variant is predicted to result in the amino acid substitution p.Arg1312Gly. To our knowledge, this variant has not been reported in the literature or in a large population database, indicating this variant is rare. At this time, the clinical significance of this variant is uncertain due to the absence of conclusive functional and genetic evidence.